The following is an entry in ClinVar:

NM_001014.5(RPS10):c.285_292del (p.Arg96fs)

Genes: RPS10-NUDT3 (RPS10-NUDT3 readthrough; minus strand), RPS10 (ribosomal protein S10; minus strand). Cytogenetic location: 6p21.31.
Variant type: Deletion.
Coding change: c.285_292del on transcript NM_001014.5 (MANE Select); coding-DNA positions 285 to 292, 8 bases deleted (CCGTAGCC; older notation c.285_292delCCGTAGCC).
Protein change: p.Arg96fs; shifts the reading frame from arginine 96.
Molecular consequence: frameshift variant.
Genome position (GRCh38, 1-based): chr6:34,424,699-34,424,706, GGCTACGG deleted on the plus strand (CCGTAGCC on the coding strand, the reverse complement: RPS10 is on the minus strand). VCF-style (leftmost placement, unchanged base first): chr6-34424698-CGGCTACGG-C. GRCh37 (hg19) VCF-style: chr6-34392475-CGGCTACGG-C.
Other names: c.285_292del, p.Arg96fs (NM_001202470.3, NM_001203245.3, NM_001204091.2); short protein forms R96fs.
Identifiers: ClinVar variation 653431 (VCV000653431.7), dbSNP rs1581931439, ClinGen allele CA915944230.

ClinVar aggregate classification (germline): Pathogenic (1 of 4 stars; one submission).

Conditions:
Diamond-Blackfan anemia. Also called: Blackfan Diamond syndrome; Aregenerative anemia chronic congenital; Red cell aplasia, pure hereditary; Congenital hypoplastic anemia; Aase syndrome. Identifiers: Orphanet 124, MedGen C1260899, MeSH D029503, MONDO:0015253, HP:0004810.

Submission:

Labcorp Genetics (formerly Invitae), Labcorp
Classification: Pathogenic for Diamond-Blackfan anemia. Last evaluated: 2025-09-03. Review status: criteria provided, single submitter. Criteria: Invitae Variant Classification Sherloc (09022015). Collection method: clinical testing. Allele origin: germline.
Comment: This sequence change creates a premature translational stop signal (p.Arg96Serfs*9) in the RPS10 gene. It is expected to result in an absent or disrupted protein product. Loss-of-function variants in RPS10 are known to be pathogenic (PMID: 20116044, 23718193). This variant is not present in population databases (gnomAD no frequency). This variant has not been reported in the literature in individuals affected with RPS10-related conditions. ClinVar contains an entry for this variant (Variation ID: 653431). For these reasons, this variant has been classified as Pathogenic.

Literature cited by the submitters: PubMed 20116044; PubMed 23718193.